The following is an entry in ClinVar:

NM_001329556.3(REEP6):c.571G>T (p.Gly191Trp)

Gene: REEP6 (receptor accessory protein 6; plus strand). Cytogenetic location: 19p13.3.
Variant type: single nucleotide variant.
Coding change: c.571G>T on transcript NM_001329556.3 (MANE Plus Clinical); coding-DNA position 571, G replaced by T.
Protein change: p.Gly191Trp; replaces glycine 191 with tryptophan.
Molecular consequence: missense variant. On other transcripts: intron variant (1).
Genome position (GRCh38, 1-based): chr19:1,496,644, G>T. VCF-style: chr19-1496644-G-T. GRCh37 (hg19) VCF-style: chr19-1496643-G-T.
Other names: c.517+191G>T (NM_138393.4); short protein forms G191W.
Identifiers: ClinVar variation 3674731 (VCV003674731.2).

ClinVar aggregate classification (germline): Uncertain significance (1 of 4 stars; one submission).

Submission:

Labcorp Genetics (formerly Invitae), Labcorp
Classification: Uncertain significance. Last evaluated: 2024-07-31. Review status: criteria provided, single submitter. Criteria: Invitae Variant Classification Sherloc (09022015). Collection method: clinical testing. Allele origin: germline.
Comment: This sequence change replaces glycine, which is neutral and non-polar, with tryptophan, which is neutral and slightly polar, at codon 191 of the REEP6 protein (p.Gly191Trp). This variant is not present in population databases (gnomAD no frequency). This variant has not been reported in the literature in individuals affected with REEP6-related conditions. Experimental studies and prediction algorithms are not available or were not evaluated, and the functional significance of this variant is currently unknown. In summary, the available evidence is currently insufficient to determine the role of this variant in disease. Therefore, it has been classified as a Variant of Uncertain Significance.